The following is an entry in ClinVar:

NM_000918.4(P4HB):c.1087G>A (p.Asp363Asn)

Gene: P4HB (prolyl 4-hydroxylase subunit beta; minus strand). Cytogenetic location: 17q25.3.
Variant type: single nucleotide variant.
Coding change: c.1087G>A on transcript NM_000918.4 (MANE Select); coding-DNA position 1087, G replaced by A.
Protein change: p.Asp363Asn; replaces aspartic acid 363 with asparagine.
Molecular consequence: missense variant.
Genome position (GRCh38, 1-based): chr17:81,845,961, C>T on the plus strand (G>A on the coding strand, the complement: P4HB is on the minus strand). VCF-style: chr17-81845961-C-T. GRCh37 (hg19) VCF-style: chr17-79803837-C-T.
Other names: short protein forms D363N.
Identifiers: ClinVar variation 3682945 (VCV003682945.2).

ClinVar aggregate classification (germline): Uncertain significance (1 of 4 stars; one submission).

Submission:

Labcorp Genetics (formerly Invitae), Labcorp
Classification: Uncertain significance. Last evaluated: 2024-06-26. Review status: criteria provided, single submitter. Criteria: Invitae Variant Classification Sherloc (09022015). Collection method: clinical testing. Allele origin: germline.
Comment: This sequence change replaces aspartic acid, which is acidic and polar, with asparagine, which is neutral and polar, at codon 363 of the P4HB protein (p.Asp363Asn). This variant is not present in population databases (gnomAD no frequency). This variant has not been reported in the literature in individuals affected with P4HB-related conditions. Advanced modeling of protein sequence and biophysical properties (such as structural, functional, and spatial information, amino acid conservation, physicochemical variation, residue mobility, and thermodynamic stability) performed at Invitae indicates that this missense variant is not expected to disrupt P4HB protein function with a negative predictive value of 80%. In summary, the available evidence is currently insufficient to determine the role of this variant in disease. Therefore, it has been classified as a Variant of Uncertain Significance.